The following is an entry in ClinVar:

ClinVar aggregate classification (germline): Benign/Likely benign. Review status: criteria provided, multiple submitters, no conflicts (2 of 4 stars). 3 submissions from 3 submitters: Benign (1); Likely benign (2). Last evaluated 2024-03-08.

Conditions:
Hereditary cancer-predisposing syndrome. Also called: Tumor predisposition; Hereditary Cancer Syndrome; Neoplastic Syndromes, Hereditary; Hereditary neoplastic syndrome. Identifiers: Orphanet 140162, MedGen C0027672, MeSH D009386, MONDO:0015356.
Familial adenomatous polyposis 1 (FAP1). Also called: FAMILIAL ADENOMATOUS POLYPOSIS 1, ATTENUATED; POLYPOSIS, ADENOMATOUS INTESTINAL. Identifiers: MedGen C2713442, MONDO:0021056, OMIM 175100. Disease mechanism: loss of function.

Allele frequency attached by ClinVar (database versions not stated): TOPMed below 0.00001.

Submissions (3):

Myriad Genetics, Inc.
Classification: Benign for Familial adenomatous polyposis 1. Last evaluated: 2024-03-08. Review status: criteria provided, single submitter. Criteria: Myriad Autosomal Dominant, Autosomal Recessive and X-Linked Classification Criteria (2023). Collection method: clinical testing. Allele origin: unknown.
Comment: This variant is considered benign. This variant is a silent/synonymous amino acid change and it is not expected to impact splicing.

Ambry Genetics
Classification: Likely benign for Hereditary cancer-predisposing syndrome. Last evaluated: 2021-01-15. Review status: criteria provided, single submitter. Criteria: Ambry Variant Classification Scheme 2023. Collection method: clinical testing. Allele origin: germline.

Color Diagnostics, LLC DBA Color Health
Classification: Likely benign for Hereditary cancer-predisposing syndrome. Last evaluated: 2018-05-22. Review status: criteria provided, single submitter. Criteria: ACMG Guidelines, 2015. Collection method: clinical testing. Allele origin: germline.

NM_000038.6(APC):c.1971A>G (p.Arg657=)

Gene: APC (APC regulator of Wnt signaling pathway; plus strand). Cytogenetic location: 5q22.2.
Variant type: single nucleotide variant.
Coding change: c.1971A>G on transcript NM_000038.6 (MANE Select); coding-DNA position 1971, A replaced by G.
Protein change: p.Arg657=; no amino-acid change (arginine 657 retained).
Molecular consequence: synonymous variant.
Genome position (GRCh38, 1-based): chr5:112,837,565, A>G. VCF-style: chr5-112837565-A-G. GRCh37 (hg19) VCF-style: chr5-112173262-A-G.
Other names: c.1971A>G, p.Arg657= (NM_001127510.3, NM_001354895.2); c.1917A>G, p.Arg639= (NM_001127511.3); c.2025A>G, p.Arg675= (NM_001354896.2); c.2001A>G, p.Arg667= (NM_001354897.2); c.1896A>G, p.Arg632= (NM_001354898.2); c.1887A>G, p.Arg629= (NM_001354899.2); c.1848A>G, p.Arg616= (NM_001354900.2); c.1794A>G, p.Arg598= (NM_001354901.2); and 5 more.
Identifiers: ClinVar variation 627713 (VCV000627713.4), dbSNP rs1561574114, ClinGen allele CA445963276.
Genomic context (GRCh38, chr5:112,837,565, plus strand): 5'-GCATACACATTGTGACCTTAATTTTGTGATCTCTTGATTTTATTTCAGGCAAATCCTAAG[A>G]GAGAACAACTGTCTACAAACTTTATTACAACACTTAAAATCTCATAGTTTGACAATAGTC-3'
Protein context (NP_000029.2, residues 647-667): ATNEDHRQIL[Arg657=]ENNCLQTLLQ